The following is an entry in ClinVar:

ClinVar aggregate classification (germline): Uncertain significance (1 of 4 stars; one submission).

Submission:

CeGaT Center for Human Genetics Tuebingen
Classification: Uncertain significance. Last evaluated: 2025-09-01. Review status: criteria provided, single submitter. Criteria: CeGaT Center For Human Genetics Tuebingen Variant Classification Criteria Version 2. Collection method: clinical testing. Allele origin: germline. Affected: yes. Observed: 2 variant alleles.
Comment: CUL4B: PM2, PP2

NM_001079872.2(CUL4B):c.1082A>G (p.Gln361Arg)

Gene: CUL4B (cullin 4B; minus strand). Cytogenetic location: Xq24.
Variant type: single nucleotide variant.
Coding change: c.1082A>G on transcript NM_001079872.2 (MANE Select); coding-DNA position 1082, A replaced by G.
Protein change: p.Gln361Arg; replaces glutamine 361 with arginine.
Molecular consequence: missense variant.
Genome position (GRCh38, 1-based): chrX:120,544,482, T>C on the plus strand (A>G on the coding strand, the complement: CUL4B is on the minus strand). VCF-style: chrX-120544482-T-C. GRCh37 (hg19) VCF-style: chrX-119678337-T-C.
Other names: c.1097A>G, p.Gln366Arg (NM_001330624.2); c.548A>G, p.Gln183Arg (NM_001369145.1); c.1136A>G, p.Gln379Arg (NM_003588.4); short protein forms Q183R, Q361R, Q366R, Q379R.
Identifiers: ClinVar variation 4281484 (VCV004281484.7).
Genomic context (GRCh38, chrX:120,544,482, plus strand): 5'-GGGGAAAAAAAACTAGGATAGCAATCAGCTCTGTATAGTAGGTGTAGTAGTTAACTTACT[T>C]GCAAATCAGACAGCATGCTTAAAAGGCTTCGAAGTAAACTTCTATCAATTGCTTCACCAT-3'
Protein context (NP_001073341.1, residues 351-371): RSLLSMLSDL[Gln361Arg]IYQDSFEQRF